The following is an entry in ClinVar:

NM_000132.4(F8):c.1064G>A (p.Arg355Gln)

Gene: F8 (coagulation factor VIII; minus strand). Cytogenetic location: Xq28.
Variant type: single nucleotide variant.
Coding change: c.1064G>A on transcript NM_000132.4 (MANE Select); coding-DNA position 1064, G replaced by A.
Protein change: p.Arg355Gln; replaces arginine 355 with glutamine.
Molecular consequence: missense variant.
Genome position (GRCh38, 1-based): chrX:154,966,633, C>T on the plus strand (G>A on the coding strand, the complement: F8 is on the minus strand). VCF-style: chrX-154966633-C-T. GRCh37 (hg19) VCF-style: chrX-154194908-C-T.
Other names: short protein forms R355Q.
Identifiers: ClinVar variation 82145 (VCV000082145.7), dbSNP rs146581224, ClinGen allele CA10568508.

ClinVar aggregate classification (germline): Likely benign. Review status: criteria provided, multiple submitters, no conflicts (2 of 4 stars). 3 submissions from 3 submitters: Likely benign (3). Last evaluated 2025-06-26.

Conditions:
F8-related disorder. Also called: F8-related condition.
Hereditary factor VIII deficiency disease (HEMA). Also called: AUTOSOMAL HEMOPHILIA A; HEMOPHILIA, CLASSIC; Hemophilia A, congenital; HEM A; Factor 8 deficiency, congenital; Hemophilia A. Identifiers: Orphanet 98878, MedGen C0019069, MONDO:0010602, OMIM 306700.

Allele frequency attached by ClinVar (database versions not stated): TOPMed 0.00015; ExAC 0.00016; gnomAD 0.00017 and 0.00019; ESP Exome Variant Server 0.00047.
gnomAD v4.1: 154 of 1,209,308 alleles (0.013%); highest among the groups gnomAD compares: Non-Finnish European, 0.016%; no homozygotes.

Submissions (3):

PreventionGenetics, part of Exact Sciences
Classification: Likely benign for F8-related condition. Last evaluated: 2025-06-26. Review status: criteria provided, single submitter. Criteria: ACMG Guidelines, 2015. Collection method: clinical testing. Allele origin: germline.
Comment: This variant is classified as likely benign based on ACMG/AMP sequence variant interpretation guidelines (Richards et al. 2015 PMID: 25741868, with internal and published modifications).

ARUP Laboratories, Molecular Genetics and Genomics, ARUP Laboratories
Classification: Likely benign. Last evaluated: 2022-09-21. Review status: criteria provided, single submitter. Criteria: ARUP Molecular Germline Variant Investigation Process 2021. Collection method: clinical testing. Allele origin: germline.

Illumina Laboratory Services, Illumina
Classification: Likely benign for Hereditary factor VIII deficiency disease. Last evaluated: 2018-01-13. Review status: criteria provided, single submitter. Criteria: ICSL Variant Classification Criteria 13 December 2019. Collection method: clinical testing. Allele origin: germline.
Comment: This variant was observed in the ICSL laboratory as part of a predisposition screen in an ostensibly healthy population. It had not been previously curated by ICSL or reported in the Human Gene Mutation Database (HGMD: prior to June 1st, 2018), and was therefore a candidate for classification through an automated scoring system. Utilizing variant allele frequency, disease prevalence and penetrance estimates, and inheritance mode, an automated score was calculated to assess if this variant is too frequent to cause the disease. Based on the score and internal cut-off values, a variant classified as likely benign is not then subjected to further curation. The score for this variant resulted in a classification of likely benign for this disease.